The following is an entry in ClinVar:

NM_020975.6(RET):c.1829A>G (p.Asn610Ser)

Gene: RET (ret proto-oncogene; plus strand). Cytogenetic location: 10q11.21.
Variant type: single nucleotide variant.
Coding change: c.1829A>G on transcript NM_020975.6 (MANE Select); coding-DNA position 1829, A replaced by G.
Protein change: p.Asn610Ser; replaces asparagine 610 with serine.
Molecular consequence: missense variant.
Genome position (GRCh38, 1-based): chr10:43,113,625, A>G. VCF-style: chr10-43113625-A-G. GRCh37 (hg19) VCF-style: chr10-43609073-A-G.
Other names: c.1829A>G, p.Asn610Ser (NM_000323.2, NM_001406743.1, NM_001406744.1 and 6 more transcripts); c.1067A>G, p.Asn356Ser (NM_001355216.2); c.1700A>G, p.Asn567Ser (NM_001406761.1, NM_001406762.1, NM_001406764.1 and 1 more transcripts); c.1541A>G, p.Asn514Ser (NM_001406766.1, NM_001406767.1, NM_001406770.1); c.1433A>G, p.Asn478Ser (NM_001406769.1, NM_001406772.1); c.1391A>G, p.Asn464Ser (NM_001406771.1, NM_001406773.1); c.1304A>G, p.Asn435Ser (NM_001406774.1); c.803A>G, p.Asn268Ser (NM_001406786.1, NM_001406783.1); and 5 more; short protein forms N610S, N356S, N215S, N268S, N478S, N567S, N127S, N280S.
Identifiers: ClinVar variation 1430721 (VCV001430721.9), dbSNP rs1837994115, ClinGen allele CA376552765.
Genomic context (GRCh38, chr10:43,113,625, plus strand): 5'-TTGTTGGGGGACACGAGCCTGGGGAGCCCCGGGGGATTAAAGCTGGCTATGGCACCTGCA[A>G]CTGCTTCCCTGAGGAGGAGAAGTGCTTCTGCGAGCCCGAAGACATCCAGGGTGAGTGGGT-3'
Protein context (NP_066124.1, residues 600-620): RGIKAGYGTC[Asn610Ser]CFPEEEKCFC

ClinVar aggregate classification (germline): Uncertain significance. Review status: criteria provided, multiple submitters, no conflicts (2 of 4 stars). 3 submissions from 3 submitters: Uncertain significance (3). Last evaluated 2025-07-04.

Conditions:
Multiple endocrine neoplasia, type 2 (MEN2). Identifiers: Orphanet 653, MedGen C4048306, MONDO:0019003. Disease mechanism: gain of function.
Hereditary cancer-predisposing syndrome. Also called: Hereditary neoplastic syndrome; Neoplastic Syndromes, Hereditary; Tumor predisposition; Hereditary Cancer Syndrome. Identifiers: Orphanet 140162, MedGen C0027672, MeSH D009386, MONDO:0015356.
Multiple endocrine neoplasia type 2B. Also called: WAGENMANN-FROBOESE SYNDROME; MULTIPLE ENDOCRINE NEOPLASIA, TYPE III; MEN 2B; Multiple endocrine neoplasia, type 3; MULTIPLE ENDOCRINE NEOPLASIA, TYPE IIB; MEN IIB. Identifiers: Orphanet 247709, Orphanet 653, MedGen C0025269, MeSH D018814, MONDO:0008082, OMIM 162300.
Multiple endocrine neoplasia type 2A. Also called: MULTIPLE ENDOCRINE NEOPLASIA, TYPE IIA; PTC SYNDROME; SIPPLE SYNDROME; MEN 2A; MEN-2A syndrome; Pheochromocytoma and amyloid producing medullary thyroid carcinoma. Identifiers: Orphanet 247698, Orphanet 653, MedGen C0025268, MeSH D018813, MONDO:0008234, OMIM 171400.
Pheochromocytoma. Also called: MAX-Related Hereditary Paraganglioma-Pheochromocytoma Syndrome. Identifiers: Orphanet 29072, MedGen C0031511, MONDO:0008233, OMIM 171300, HP:0002666.
Familial medullary thyroid carcinoma (MTC). Also called: Thyroid cancer, familial medullary; MTC, familial; Familial Medullary Thyroid Carcinoma (FMTC). Identifiers: Orphanet 653, Orphanet 99361, MedGen C1833921, MONDO:0007958, OMIM 155240.
Hirschsprung disease, susceptibility to, 1 (HSCR1). Also called: RET-Related Hirschsprung Disease. Identifiers: Orphanet 388, MedGen C3888239, MONDO:0007723, OMIM 142623.

Allele frequency attached by ClinVar (database versions not stated): TOPMed below 0.00001.

Submissions (3):

Labcorp Genetics (formerly Invitae), Labcorp
Classification: Uncertain significance for Multiple endocrine neoplasia, type 2. Last evaluated: 2025-07-04. Review status: criteria provided, single submitter. Criteria: Invitae Variant Classification Sherloc (09022015). Collection method: clinical testing. Allele origin: germline.
Comment: This sequence change replaces asparagine, which is neutral and polar, with serine, which is neutral and polar, at codon 610 of the RET protein (p.Asn610Ser). This variant is not present in population databases (gnomAD no frequency). This variant has not been reported in the literature in individuals affected with RET-related conditions. ClinVar contains an entry for this variant (Variation ID: 1430721). An algorithm developed to predict the effect of missense changes on protein structure and function outputs the following: PolyPhen-2: "Benign". The serine amino acid residue is found in multiple mammalian species, which suggests that this missense change does not adversely affect protein function. Algorithms developed to predict the effect of sequence changes on RNA splicing suggest that this variant may create or strengthen a splice site. In summary, the available evidence is currently insufficient to determine the role of this variant in disease. Therefore, it has been classified as a Variant of Uncertain Significance.

Ambry Genetics
Classification: Uncertain significance for Hereditary cancer-predisposing syndrome. Last evaluated: 2024-06-17. Review status: criteria provided, single submitter. Criteria: Ambry Variant Classification Scheme 2023. Collection method: clinical testing. Allele origin: germline.
Comment: The p.N610S variant (also known as c.1829A>G), located in coding exon 10 of the RET gene, results from an A to G substitution at nucleotide position 1829. The asparagine at codon 610 is replaced by serine, an amino acid with highly similar properties. This amino acid position is not well conserved in available vertebrate species. In addition, this alteration is predicted to be tolerated by in silico analysis. Since supporting evidence is limited at this time, the clinical significance of this alteration remains unclear.

Fulgent Genetics
Classification: Uncertain significance for Hirschsprung disease, susceptibility to, 1; Familial medullary thyroid carcinoma; Multiple endocrine neoplasia type 2B; Pheochromocytoma; Multiple endocrine neoplasia type 2A. Last evaluated: 2022-01-11. Review status: criteria provided, single submitter. Criteria: ACMG Guidelines, 2015. Collection method: clinical testing. Allele origin: unknown.